The following is an entry in ClinVar:

NM_000222.3(KIT):c.823T>C (p.Leu275=)

Gene: KIT (KIT proto-oncogene, receptor tyrosine kinase; plus strand). Cytogenetic location: 4q12.
Variant type: single nucleotide variant.
Coding change: c.823T>C on transcript NM_000222.3 (MANE Select); coding-DNA position 823, T replaced by C.
Protein change: p.Leu275=; no amino-acid change (leucine 275 retained).
Molecular consequence: synonymous variant.
Genome position (GRCh38, 1-based): chr4:54,703,790, T>C. VCF-style: chr4-54703790-T-C. GRCh37 (hg19) VCF-style: chr4-55569956-T-C.
Other names: c.823T>C, p.Leu275= (NM_001093772.2, NM_001385285.1, NM_001385286.1); c.826T>C, p.Leu276= (NM_001385284.1, NM_001385288.1, NM_001385290.1 and 1 more transcripts).
Identifiers: ClinVar variation 1086736 (VCV001086736.12), dbSNP rs1351977769, ClinGen allele CA439288442.

ClinVar aggregate classification (germline): Benign/Likely benign. Review status: criteria provided, multiple submitters, no conflicts (2 of 4 stars). 3 submissions from 3 submitters: Benign (1); Likely benign (2). Last evaluated 2026-06-03.

Conditions:
Gastrointestinal stromal tumor. Also called: Gastrointestinal stroma tumor; Gastrointestinal stromal tumor, somatic. Identifiers: Orphanet 44890, MedGen C0238198, MeSH D046152, MONDO:0011719, OMIM 606764, HP:0100723.
Hereditary cancer-predisposing syndrome. Also called: Neoplastic Syndromes, Hereditary; Hereditary Cancer Syndrome; Hereditary neoplastic syndrome; Tumor predisposition. Identifiers: Orphanet 140162, MedGen C0027672, MeSH D009386, MONDO:0015356.

Allele frequency attached by ClinVar (database versions not stated): gnomAD 0.00001; TOPMed 0.00001; gnomAD exomes 0.00002.
gnomAD v4.1: 26 of 1,613,580 alleles (0.0016%); highest among the groups gnomAD compares: Admixed American, 0.0067%; no homozygotes.

Submissions (3):

Myriad Genetics, Inc.
Classification: Benign for Gastrointestinal stromal tumor. Last evaluated: 2026-06-03. Review status: criteria provided, single submitter. Criteria: Myriad Autosomal Dominant, Autosomal Recessive and X-Linked Classification Criteria (2023). Collection method: clinical testing. Allele origin: unknown.
Comment: This variant is considered benign. This variant is a silent/synonymous amino acid change and it is not expected to impact splicing.

Labcorp Genetics (formerly Invitae), Labcorp
Classification: Likely benign for Gastrointestinal stromal tumor. Last evaluated: 2025-11-06. Review status: criteria provided, single submitter. Criteria: Invitae Variant Classification Sherloc (09022015). Collection method: clinical testing. Allele origin: germline.

Ambry Genetics
Classification: Likely benign for Hereditary cancer-predisposing syndrome. Last evaluated: 2022-02-23. Review status: criteria provided, single submitter. Criteria: Ambry Variant Classification Scheme 2023. Collection method: clinical testing. Allele origin: germline.